The following is an entry in ClinVar:

NM_001144967.3(NEDD4L):c.1257+5G>A

Gene: NEDD4L (NEDD4 like E3 ubiquitin protein ligase; plus strand). Cytogenetic location: 18q21.31.
Variant type: single nucleotide variant.
Coding change: c.1257+5G>A on transcript NM_001144967.3 (MANE Select); 5 bases into the intron after coding-DNA position 1257, G replaced by A.
Molecular consequence: intron variant.
Genome position (GRCh38, 1-based): chr18:58,341,174, G>A. VCF-style: chr18-58341174-G-A. GRCh37 (hg19) VCF-style: chr18-56008406-G-A.
Other names: c.1197+5G>A (NM_015277.6); c.1066-504G>A (NM_001243960.2); c.894+5G>A (NM_001144964.1, NM_001144965.2, NM_001144966.3); c.834+5G>A (NM_001144971.2, NM_001144970.3); c.1233+5G>A (NM_001144968.2); c.1173+5G>A (NM_001144969.2).
Identifiers: ClinVar variation 696834 (VCV000696834.13), dbSNP rs562899354, ClinGen allele CA8975627.

ClinVar aggregate classification (germline): Likely benign. Review status: criteria provided, single submitter (1 of 4 stars). 2 submissions from 2 submitters: Likely benign (1). 1 of the submissions does not count toward it. Last evaluated 2026-01-29.

Conditions:
NEDD4L-related disorder. Also called: NEDD4L-related condition.

Allele frequency attached by ClinVar (database versions not stated): gnomAD exomes 0.00004 and 0.00016; gnomAD 0.00005 and 0.00008; ExAC 0.00013; 1000 Genomes Project 30x 0.00016; 1000 Genomes Project 0.00020; TOPMed 0.00029.
gnomAD v4.1: 97 of 1,611,762 alleles (0.006%); highest among the groups gnomAD compares: East Asian, 0.15%; no homozygotes.

Submissions (2):

Labcorp Genetics (formerly Invitae), Labcorp
Classification: Likely benign. Last evaluated: 2026-01-29. Review status: criteria provided, single submitter. Criteria: Invitae Variant Classification Sherloc (09022015). Collection method: clinical testing. Allele origin: germline.

PreventionGenetics, part of Exact Sciences
Classification: Likely benign for NEDD4L-related condition. Last evaluated: 2022-11-07. Review status: no assertion criteria provided. Collection method: clinical testing. Allele origin: germline. Not counted in ClinVar's aggregate classification.
Comment: This variant is classified as likely benign based on ACMG/AMP sequence variant interpretation guidelines (Richards et al. 2015 PMID: 25741868, with internal and published modifications).